The following is an entry in ClinVar:

NM_006009.4(TUBA1A):c.1091C>G (p.Pro364Arg)

Gene: TUBA1A (tubulin alpha 1a; minus strand). Cytogenetic location: 12q13.12.
Variant type: single nucleotide variant.
Coding change: c.1091C>G on transcript NM_006009.4 (MANE Select); coding-DNA position 1091, C replaced by G.
Protein change: p.Pro364Arg; replaces proline 364 with arginine.
Molecular consequence: missense variant.
Genome position (GRCh38, 1-based): chr12:49,185,275, G>C on the plus strand (C>G on the coding strand, the complement: TUBA1A is on the minus strand). VCF-style: chr12-49185275-G-C. GRCh37 (hg19) VCF-style: chr12-49579058-G-C.
Other names: c.1091C>G, p.Pro364Arg (NM_001270399.2); c.986C>G, p.Pro329Arg (NM_001270400.2); short protein forms P364R, P329R.
Identifiers: ClinVar variation 429374 (VCV000429374.5), dbSNP rs1131691349, ClinGen allele CA384636153.

ClinVar aggregate classification (germline): Likely pathogenic. Review status: criteria provided, multiple submitters, no conflicts (2 of 4 stars). 2 submissions from 2 submitters: Likely pathogenic (2). Last evaluated 2020-01-06.

Conditions:
Tubulinopathy. Also called: Tubulinopathies. Identifiers: MedGen CN850169, MONDO:0100153.

Submissions (2):

GeneDx
Classification: Likely pathogenic. Last evaluated: 2020-01-06. Review status: criteria provided, single submitter. Criteria: GeneDx Variant Classification Process June 2021. Collection method: clinical testing. Allele origin: germline. Affected: yes.
Comment: Not observed in large population cohorts (Lek et al., 2016); The majority of missense variants in this gene are considered pathogenic [(Stenson et al., 2014; other references)]; In silico analysis, which includes protein predictors and evolutionary conservation, supports a deleterious effect; This variant is associated with the following publications: (PMID: 30744660)

Institute of Human Genetics, FAU Erlangen, Friedrich-Alexander-Universität Erlangen-Nürnberg
Classification: Likely pathogenic for Tubulinopathies. Last evaluated: 2018-07-01. Review status: criteria provided, single submitter. Criteria: ACMG Guidelines, 2015. Collection method: literature only. Allele origin: germline. Affected: yes. Observed: 1 variant allele.
Comment: The c.1091C>G, p.(Pro364Arg) variant has been reported as a variant of germline/unknown origin.

Literature cited by the submitters: PubMed 30744660 (cited by Institute of Human Genetics, FAU Erlangen, Friedrich-Alexander-Universität Erlangen-Nürnberg); DOI 10.1101/427948 (cited by Institute of Human Genetics, FAU Erlangen, Friedrich-Alexander-Universität Erlangen-Nürnberg).